The following is an entry in ClinVar:

ClinVar aggregate classification (germline): Uncertain significance (1 of 4 stars; one submission).

Conditions:
Charcot-Marie-Tooth disease type 4. Also called: Charcot-Marie-Tooth, Type 4; Charcot-Marie-Tooth disease, type IV. Identifiers: Orphanet 64749, MedGen C4082197, MONDO:0018995.

Submission:

Labcorp Genetics (formerly Invitae), Labcorp
Classification: Uncertain significance for Charcot-Marie-Tooth disease type 4. Last evaluated: 2021-09-02. Review status: criteria provided, single submitter. Criteria: Invitae Variant Classification Sherloc (09022015). Collection method: clinical testing. Allele origin: germline.
Comment: This variant, c.1638_1715del, results in the deletion of 26 amino acid(s) of the PRX protein (p.Ser552_Val577del), but otherwise preserves the integrity of the reading frame. The frequency data for this variant in the population databases is considered unreliable, as metrics indicate poor data quality at this position in the ExAC database. This variant has not been reported in the literature in individuals affected with PRX-related conditions. Experimental studies and prediction algorithms are not available or were not evaluated, and the functional significance of this variant is currently unknown. In summary, the available evidence is currently insufficient to determine the role of this variant in disease. Therefore, it has been classified as a Variant of Uncertain Significance.

NM_181882.3(PRX):c.1638_1715del (p.Ser552_Val577del)

Gene: PRX (periaxin; minus strand). Cytogenetic location: 19q13.2.
Variant type: Deletion.
Coding change: c.1638_1715del on transcript NM_181882.3 (MANE Select); coding-DNA positions 1638 to 1715, 78 bases deleted.
Protein change: p.Ser552_Val577del.
Molecular consequence: inframe deletion. On other transcripts: 3 prime UTR variant (1).
Genome position (GRCh38, 1-based): chr19:40,396,637-40,396,714, 78 bases deleted. GRCh37 (hg19): chr19:40,902,564-40,902,641.
Other names: c.*1843_*1920del (NM_020956.2).
Identifiers: ClinVar variation 942035 (VCV000942035.7), dbSNP rs2079440653, ClinGen allele CA9444208.